The following is an entry in ClinVar:

NM_017763.6(RNF43):c.1955C>A (p.Pro652Gln)

Gene: RNF43 (ring finger protein 43; minus strand). Cytogenetic location: 17q22.
Variant type: single nucleotide variant.
Coding change: c.1955C>A on transcript NM_017763.6 (MANE Select); coding-DNA position 1955, C replaced by A.
Protein change: p.Pro652Gln; replaces proline 652 with glutamine.
Molecular consequence: missense variant.
Genome position (GRCh38, 1-based): chr17:58,357,821, G>T on the plus strand (C>A on the coding strand, the complement: RNF43 is on the minus strand). VCF-style: chr17-58357821-G-T. GRCh37 (hg19) VCF-style: chr17-56435182-G-T.
Other names: c.1955C>A, p.Pro652Gln (NM_001305544.3); c.1574C>A, p.Pro525Gln (NM_001305545.2); short protein forms P525Q, P652Q.
Identifiers: ClinVar variation 1418868 (VCV001418868.7), dbSNP rs1363955065, ClinGen allele CA400386797.

ClinVar aggregate classification (germline): Uncertain significance. Review status: criteria provided, multiple submitters, no conflicts (2 of 4 stars). 2 submissions from 2 submitters: Uncertain significance (2). Last evaluated 2024-12-08.

Allele frequency attached by ClinVar (database versions not stated): TOPMed below 0.00001; gnomAD exomes 0.00001 and 0.00003.
gnomAD v4.1: 7 of 1,614,226 alleles (0.00043%); highest among the groups gnomAD compares: Admixed American, 0.012%; no homozygotes.

Submissions (2):

Ambry Genetics
Classification: Uncertain significance. Last evaluated: 2024-12-08. Review status: criteria provided, single submitter. Criteria: Ambry Variant Classification Scheme 2023. Collection method: clinical testing. Allele origin: germline.
Comment: The p.P652Q variant (also known as c.1955C>A), located in coding exon 8 of the RNF43 gene, results from a C to A substitution at nucleotide position 1955. The proline at codon 652 is replaced by glutamine, an amino acid with similar properties. This amino acid position is conserved. In addition, this alteration is predicted to be tolerated by in silico analysis. Based on the available evidence, the clinical significance of this variant remains unclear.

Labcorp Genetics (formerly Invitae), Labcorp
Classification: Uncertain significance. Last evaluated: 2022-10-08. Review status: criteria provided, single submitter. Criteria: Invitae Variant Classification Sherloc (09022015). Collection method: clinical testing. Allele origin: germline.
Comment: This sequence change replaces proline, which is neutral and non-polar, with glutamine, which is neutral and polar, at codon 652 of the RNF43 protein (p.Pro652Gln). This variant is present in population databases (no rsID available, gnomAD 0.02%). This variant has not been reported in the literature in individuals affected with RNF43-related conditions. ClinVar contains an entry for this variant (Variation ID: 1418868). Algorithms developed to predict the effect of missense changes on protein structure and function output the following: SIFT: "Deleterious"; PolyPhen-2: "Benign"; Align-GVGD: "Class C0". The glutamine amino acid residue is found in multiple mammalian species, which suggests that this missense change does not adversely affect protein function. In summary, the available evidence is currently insufficient to determine the role of this variant in disease. Therefore, it has been classified as a Variant of Uncertain Significance.